The following is an entry in ClinVar:

ClinVar aggregate classification (germline): Uncertain significance (1 of 4 stars; one submission).

Conditions:
Bethlem myopathy 1A. Also called: MYOPATHY, BENIGN CONGENITAL, WITH CONTRACTURES; Bethlem myopathy 1; Bethlem Muscular Dystrophy. Identifiers: Orphanet 610, MedGen CN029274, MONDO:0024530, OMIM 158810.

Allele frequency attached by ClinVar (database versions not stated): gnomAD exomes below 0.00001.
gnomAD v4.1: 1 of 1,611,478 alleles (0.000062%); highest among the groups gnomAD compares: African/African-American, 0.0013%; no homozygotes.

Submission:

Labcorp Genetics (formerly Invitae), Labcorp
Classification: Uncertain significance for Bethlem myopathy 1A. Last evaluated: 2020-02-27. Review status: criteria provided, single submitter. Criteria: Invitae Variant Classification Sherloc (09022015). Collection method: clinical testing. Allele origin: germline.
Comment: This sequence change replaces proline with serine at codon 2336 of the COL6A3 protein (p.Pro2336Ser). The proline residue is highly conserved and there is a moderate physicochemical difference between proline and serine. This variant is not present in population databases (ExAC no frequency). This variant has not been reported in the literature in individuals with COL6A3-related conditions. Experimental studies and prediction algorithms are not available or were not evaluated, and the functional significance of this variant is currently unknown. In summary, the available evidence is currently insufficient to determine the role of this variant in disease. Therefore, it has been classified as a Variant of Uncertain Significance.

NM_004369.4(COL6A3):c.7006C>T (p.Pro2336Ser)

Gene: COL6A3 (collagen type VI alpha 3 chain; minus strand). Cytogenetic location: 2q37.3.
Variant type: single nucleotide variant.
Coding change: c.7006C>T on transcript NM_004369.4 (MANE Select); coding-DNA position 7006, C replaced by T.
Protein change: p.Pro2336Ser; replaces proline 2336 with serine.
Molecular consequence: missense variant.
Genome position (GRCh38, 1-based): chr2:237,347,830, G>A on the plus strand (C>T on the coding strand, the complement: COL6A3 is on the minus strand). VCF-style: chr2-237347830-G-A. GRCh37 (hg19) VCF-style: chr2-238256473-G-A.
Other names: c.5185C>T, p.Pro1729Ser (NM_057166.5); c.6388C>T, p.Pro2130Ser (NM_057167.4); short protein forms P2130S, P2336S, P1729S.
Identifiers: ClinVar variation 857131 (VCV000857131.12), dbSNP rs2077126598, ClinGen allele CA351207157.